The following is an entry in ClinVar:

NM_001458.5(FLNC):c.5221G>A (p.Glu1741Lys)

Gene: FLNC (filamin C; plus strand). Cytogenetic location: 7q32.1.
Variant type: single nucleotide variant.
Coding change: c.5221G>A on transcript NM_001458.5 (MANE Select); coding-DNA position 5221, G replaced by A.
Protein change: p.Glu1741Lys; replaces glutamic acid 1741 with lysine.
Molecular consequence: missense variant. On other transcripts: intron variant (1).
Genome position (GRCh38, 1-based): chr7:128,849,997, G>A. VCF-style: chr7-128849997-G-A. GRCh37 (hg19) VCF-style: chr7-128490051-G-A.
Other names: c.5200-387G>A (NM_001127487.2); short protein forms E1741K.
Identifiers: ClinVar variation 472095 (VCV000472095.22), dbSNP rs200792813, ClinGen allele CA4475613.

ClinVar aggregate classification (germline): Conflicting classifications of pathogenicity. Review status: criteria provided, conflicting classifications (1 of 4 stars). 9 submissions from 9 submitters: Uncertain significance (1); Benign (1); Likely benign (7). Last evaluated 2026-02-17.

Conditions:
Myofibrillar myopathy 5. Also called: FILAMINOPATHY, AUTOSOMAL DOMINANT; Filaminopathy (type). Identifiers: Orphanet 171445, MedGen C1836050, MONDO:0012289, OMIM 609524.
Hypertrophic cardiomyopathy 26. Also called: Cardiomyopathy, familial hypertrophic, 26. Identifiers: Orphanet 75249, MedGen C4310749, MONDO:0014883, OMIM 617047.
Distal myopathy with posterior leg and anterior hand involvement. Also called: WILLIAMS DISTAL MYOPATHY. Identifiers: Orphanet 63273, MedGen C3279722, MONDO:0013550, OMIM 614065.
FLNC-related disorder. Also called: FLNC-related disorders; FLNC-related condition.
Cardiovascular phenotype. Identifiers: MedGen CN230736.

Allele frequency attached by ClinVar (database versions not stated): gnomAD exomes 0.00010 and 0.00015; gnomAD 0.00020 and 0.00024; TOPMed 0.00021; ESP Exome Variant Server 0.00024; ExAC 0.00030.
gnomAD v4.1: 168 of 1,584,960 alleles (0.011%); highest among the groups gnomAD compares: African/African-American, 0.047%; no homozygotes.

Submissions (9):

Women's Health and Genetics/Laboratory Corporation of America, LabCorp
Classification: Likely benign. Last evaluated: 2026-02-17. Review status: criteria provided, single submitter. Criteria: LabCorp Variant Classification Summary - May 2015. Collection method: clinical testing. Allele origin: germline.
Comment: Variant summary: FLNC c.5221G>A (p.Glu1741Lys) results in a conservative amino acid change in the encoded protein sequence. Algorithms developed to predict the effect of missense changes on protein structure and function are either unavailable or do not agree on the potential impact of this missense change. The variant allele was found at a frequency of 0.00015 in 202248 control chromosomes. The observed variant frequency exceeds the estimated maximal expected allele frequency for disease-causing variants in FLNC. To our knowledge, no occurrence of c.5221G>A in individuals affected with FLNC-related conditions and no experimental evidence demonstrating its impact on protein function have been reported. ClinVar contains an entry for this variant (Variation ID: 472095). Based on the evidence outlined above, the variant was classified as likely benign.

Labcorp Genetics (formerly Invitae), Labcorp
Classification: Benign for Distal myopathy with posterior leg and anterior hand involvement; Myofibrillar myopathy 5; Hypertrophic cardiomyopathy 26. Last evaluated: 2025-12-21. Review status: criteria provided, single submitter. Criteria: Invitae Variant Classification Sherloc (09022015). Collection method: clinical testing. Allele origin: germline.

PreventionGenetics, part of Exact Sciences
Classification: Likely benign for FLNC-related condition. Last evaluated: 2025-08-25. Review status: criteria provided, single submitter. Criteria: ACMG Guidelines, 2015. Collection method: clinical testing. Allele origin: germline.
Comment: This variant is classified as likely benign based on ACMG/AMP sequence variant interpretation guidelines (Richards et al. 2015 PMID: 25741868, with internal and published modifications).

Molecular Diagnostic Laboratory for Inherited Cardiovascular Disease, Montreal Heart Institute
Classification: Likely benign. Last evaluated: 2025-04-09. Review status: criteria provided, single submitter. Criteria: ACMG Guidelines, 2015. Collection method: clinical testing. Allele origin: germline. Affected: no.
Comment: BS1;BP4

Blueprint Genetics
Classification: Likely benign. Last evaluated: 2024-11-07. Review status: criteria provided, single submitter. Criteria: ACMG Guidelines, 2015. Collection method: clinical testing. Allele origin: germline.

Revvity Omics, Revvity
Classification: Likely benign. Last evaluated: 2024-09-25. Review status: criteria provided, single submitter. Criteria: ACMG Guidelines, 2015. Collection method: clinical testing. Allele origin: germline.

Ambry Genetics
Classification: Likely benign for Cardiovascular phenotype. Last evaluated: 2024-04-26. Review status: criteria provided, single submitter. Criteria: Ambry Variant Classification Scheme 2023. Collection method: clinical testing. Allele origin: germline.

GeneDx
Classification: Likely benign. Last evaluated: 2020-12-02. Review status: criteria provided, single submitter. Criteria: GeneDx Variant Classification Process June 2021. Collection method: clinical testing. Allele origin: germline. Affected: yes.
Comment: Has not been previously published as pathogenic or benign to our knowledge; Reported in ClinVar as a variant of uncertain significance (ClinVar Variant ID# 472095; Landrum et al., 2016); In silico analysis, which includes protein predictors and evolutionary conservation, supports that this variant does not alter protein structure/function

Center for Genomics, Ann and Robert H. Lurie Children's Hospital of Chicago
Classification: Uncertain significance for Hypertrophic cardiomyopathy 26; Distal myopathy with posterior leg and anterior hand involvement; Myofibrillar myopathy 5. Review status: criteria provided, single submitter. Criteria: ACMG Guidelines, 2015. Collection method: clinical testing. Allele origin: germline.
Comment: FLNC NM_001458.4 exon 31 p.Glu1741Lys (c.5221G>A): This variant has not been reported in the literature and is present in 0.04% (7/14872) of European alleles in the Genome Aggregation Database. This variant is present in ClinVar (Variation ID:472095). Evolutionary conservation and computational predictive tools suggest that this variant may not impact the protein. In summary, data on this variant is insufficient for disease classification. Therefore, the clinical significance of this variant is uncertain.